The following is an entry in ClinVar:

NM_001099274.3(TINF2):c.1151G>A (p.Ser384Asn)

Gene: TINF2 (TERF1 interacting nuclear factor 2; minus strand). Cytogenetic location: 14q12.
Variant type: single nucleotide variant.
Coding change: c.1151G>A on transcript NM_001099274.3 (MANE Select); coding-DNA position 1151, G replaced by A.
Protein change: p.Ser384Asn; replaces serine 384 with asparagine.
Molecular consequence: missense variant. On other transcripts: 3 prime UTR variant (1).
Genome position (GRCh38, 1-based): chr14:24,240,134, C>T on the plus strand (G>A on the coding strand, the complement: TINF2 is on the minus strand). VCF-style: chr14-24240134-C-T. GRCh37 (hg19) VCF-style: chr14-24709340-C-T.
Other names: c.1046G>A, p.Ser349Asn (NM_001363668.2); c.*281G>A (NM_012461.3); short protein forms S384N, S349N.
Identifiers: ClinVar variation 2059353 (VCV002059353.4), dbSNP rs771022492, ClinGen allele CA257880796.
Genomic context (GRCh38, chr14:24,240,134, plus strand): 5'-CCCTGGCCATTTTCTTCCTCATCAGAGTCTAAAACCAAGTCCCCTATGGTAATGACGGAG[C>T]TGCACAGAGACGGAGGACACACTGTAGGAGGGAAACCAGAATCAAACTACTACTTCTAGA-3'
Protein context (NP_001092744.1, residues 374-394): RKPVCPPSLC[Ser384Asn]SVITIGDLVL

ClinVar aggregate classification (germline): Uncertain significance (1 of 4 stars; one submission).

Conditions:
Dyskeratosis congenita. Identifiers: Orphanet 1775, MedGen C0265965, MONDO:0015780.

Allele frequency attached by ClinVar (database versions not stated): gnomAD 0.00002; TOPMed 0.00004.

Submission:

Labcorp Genetics (formerly Invitae), Labcorp
Classification: Uncertain significance for Dyskeratosis congenita. Last evaluated: 2024-05-06. Review status: criteria provided, single submitter. Criteria: Invitae Variant Classification Sherloc (09022015). Collection method: clinical testing. Allele origin: germline.
Comment: This sequence change replaces serine, which is neutral and polar, with asparagine, which is neutral and polar, at codon 384 of the TINF2 protein (p.Ser384Asn). This variant is not present in population databases (gnomAD no frequency). This variant has not been reported in the literature in individuals affected with TINF2-related conditions. ClinVar contains an entry for this variant (Variation ID: 2059353). Algorithms developed to predict the effect of missense changes on protein structure and function output the following: SIFT: "Not Available"; PolyPhen-2: "Benign"; Align-GVGD: "Not Available". The asparagine amino acid residue is found in multiple mammalian species, which suggests that this missense change does not adversely affect protein function. In summary, the available evidence is currently insufficient to determine the role of this variant in disease. Therefore, it has been classified as a Variant of Uncertain Significance.